The following is an entry in ClinVar:

ClinVar aggregate classification (germline): Uncertain significance (1 of 4 stars; one submission).

Conditions:
Paget disease of bone 2, early-onset (PDB2). Also called: Paget disease of bone 2. Identifiers: MedGen C4085251, MONDO:0011183, OMIM 602080.
Frontotemporal dementia and/or amyotrophic lateral sclerosis 1 (FTDALS1). Also called: Frontotemporal dementia with motor neuron disease 1; C9orf72 Frontotemporal Dementia and/or Amyotrophic Lateral Sclerosis. Identifiers: Orphanet 275872, MedGen C5779877, MONDO:0007105, OMIM 105550.

Allele frequency attached by ClinVar (database versions not stated): gnomAD exomes below 0.00001; TOPMed below 0.00001; ExAC 0.00001.
gnomAD v4.1: 6 of 1,614,222 alleles (0.00037%); highest among the groups gnomAD compares: South Asian, 0.0022%; no homozygotes.

Submission:

Labcorp Genetics (formerly Invitae), Labcorp
Classification: Uncertain significance for Paget disease of bone 2, early-onset; Frontotemporal dementia and/or amyotrophic lateral sclerosis 1. Last evaluated: 2023-07-07. Review status: criteria provided, single submitter. Criteria: Invitae Variant Classification Sherloc (09022015). Collection method: clinical testing. Allele origin: germline.
Comment: This variant is present in population databases (rs777601802, gnomAD 0.0009%). This sequence change replaces isoleucine, which is neutral and non-polar, with valine, which is neutral and non-polar, at codon 424 of the SQSTM1 protein (p.Ile424Val). This variant has not been reported in the literature in individuals affected with SQSTM1-related conditions. Advanced modeling of protein sequence and biophysical properties (such as structural, functional, and spatial information, amino acid conservation, physicochemical variation, residue mobility, and thermodynamic stability) performed at Invitae indicates that this missense variant is not expected to disrupt SQSTM1 protein function. This variant disrupts the p.Ile424 amino acid residue in SQSTM1. Other variant(s) that disrupt this residue have been determined to be pathogenic (PMID: 20499339, 24642144). This suggests that this residue is clinically significant, and that variants that disrupt this residue are likely to be disease-causing. In summary, the available evidence is currently insufficient to determine the role of this variant in disease. Therefore, it has been classified as a Variant of Uncertain Significance.

Literature cited by the submitters: PubMed 20499339; PubMed 24642144.

NM_003900.5(SQSTM1):c.1270A>G (p.Ile424Val)

Gene: SQSTM1 (sequestosome 1; plus strand). Cytogenetic location: 5q35.3.
Variant type: single nucleotide variant.
Coding change: c.1270A>G on transcript NM_003900.5 (MANE Select); coding-DNA position 1270, A replaced by G.
Protein change: p.Ile424Val; replaces isoleucine 424 with valine.
Molecular consequence: missense variant.
Genome position (GRCh38, 1-based): chr5:179,836,540, A>G. VCF-style: chr5-179836540-A-G. GRCh37 (hg19) VCF-style: chr5-179263540-A-G.
Other names: c.1018A>G, p.Ile340Val (NM_001142298.2, NM_001142299.2); short protein forms I340V, I424V.
Identifiers: ClinVar variation 2922815 (VCV002922815.3), dbSNP rs777601802, ClinGen allele CA3600873.
Genomic context (GRCh38, chr5:179,836,540, plus strand): 5'-ATGGGCTTCTCTGATGAAGGCGGCTGGCTCACCAGGCTCCTGCAGACCAAGAACTATGAC[A>G]TCGGAGCGGCTCTGGACACCATCCAGTATTCAAAGCATCCCCCGCCGTTGTGACCACTTT-3'
Protein context (NP_003891.1, residues 414-434): TRLLQTKNYD[Ile424Val]GAALDTIQYS